The following is an entry in ClinVar:

ClinVar aggregate classification (germline): Likely pathogenic. Review status: criteria provided, multiple submitters, no conflicts (2 of 4 stars). 2 submissions from 2 submitters: Likely pathogenic (2). Last evaluated 2025-11-28.
ClinVar aggregate classification (oncogenicity): Likely oncogenic (1 of 4 stars; one submission).

Conditions:
Kabuki syndrome 1 (KABUK1). Also called: KMT2D-Related Kabuki Syndrome. Identifiers: Orphanet 2322, MedGen CN030661, MONDO:0007843, OMIM 147920.
Choanal atresia-athelia-hypothyroidism-delayed puberty-short stature syndrome (BCAHH). Also called: BRANCHIAL ARCH ABNORMALITIES, CHOANAL ATRESIA, ATHELIA, HEARING LOSS, AND HYPOTHYROIDISM SYNDROME. Identifiers: Orphanet 589856, MedGen C5680310, MONDO:0035651, OMIM 620186.
Neoplasm. Also called: tumor; Neoplasms; Neoplasm (disease). Identifiers: MedGen C0027651, MeSH D009369, MONDO:0005070, HP:0002664.

Submissions (3):

The Central Laboratory of Birth Defects Prevention and Control, The Affiliated Women and Children's Hospital of Ningbo University
Classification: Likely pathogenic for Kabuki syndrome 1. Last evaluated: 2025-11-28. Review status: criteria provided, single submitter. Criteria: ACMG Guidelines, 2015. Collection method: clinical testing. Allele origin: maternal. Affected: yes.
Comment: The NM_003482.4 c.16057del is a frameshift variant in KMT2D gene and located in exon 52 (a total of 55 exons) of NM_003482.4 transcript. Loss of function is known pathogenic mechanisms of disease in this gene (ClinGen HI value=3). Not observed at significant frequency in large population cohorts (gnomAD). Based on the available evidence, this vatriant is classified as Likely Pathogenic.

Center for Genomic Medicine, Rigshospitalet, Copenhagen University Hospital
Classification: Likely oncogenic for Neoplasm. Last evaluated: 2025-03-04. Review status: criteria provided, single submitter. Criteria: ClinGen/CGC/VICC Guidelines for Oncogenicity, 2022. Collection method: clinical testing. Allele origin: somatic. Affected: yes.

Juno Genomics, Hangzhou Juno Genomics, Inc
Classification: Likely pathogenic for Choanal atresia-athelia-hypothyroidism-delayed puberty-short stature syndrome; Kabuki syndrome 1. Review status: criteria provided, single submitter. Criteria: ACMG Guidelines, 2015. Collection method: clinical testing. Allele origin: germline. Affected: yes.
Comment: Absent from controls (or at extremely low frequency if recessive) in Genome Aggregation Database, Exome Sequencing Project, 1000 Genomes Project, or Exome Aggregation Consortium.;Null variant in a gene where loss of function (LOF) is a known mechanism of disease.

NM_003482.4(KMT2D):c.16057del (p.His5353fs)

Gene: KMT2D (lysine methyltransferase 2D; minus strand). Cytogenetic location: 12q13.12.
Variant type: Deletion.
Coding change: c.16057del on transcript NM_003482.4 (MANE Select); coding-DNA position 16057, one base deleted (C; older notation c.16057delC).
Protein change: p.His5353fs; shifts the reading frame from histidine 5353.
Molecular consequence: frameshift variant.
Genome position (GRCh38, 1-based): chr12:49,022,871, G deleted on the plus strand (C on the coding strand, the reverse complement: KMT2D is on the minus strand); the first of 4 consecutive G bases (chr12:49,022,871-49,022,874); deleting any one gives the same sequence. VCF-style (leftmost placement, unchanged base first): chr12-49022870-TG-T. GRCh37 (hg19) VCF-style: chr12-49416653-TG-T.
Other names: c.16057delC (NM_003482.4); short protein forms H5353fs.
Identifiers: ClinVar variation 3257962 (VCV003257962.6).